The following is an entry in ClinVar:

NM_014587.5(SOX8):c.681G>C (p.Pro227=)

Gene: SOX8 (SRY-box transcription factor 8; plus strand). Cytogenetic location: 16p13.3.
Variant type: single nucleotide variant.
Coding change: c.681G>C on transcript NM_014587.5 (MANE Select); coding-DNA position 681, G replaced by C.
Protein change: p.Pro227=; no amino-acid change (proline 227 retained).
Molecular consequence: synonymous variant.
Genome position (GRCh38, 1-based): chr16:984,726, G>C. VCF-style: chr16-984726-G-C. GRCh37 (hg19) VCF-style: chr16-1034726-G-C.
Identifiers: ClinVar variation 3037837 (VCV003037837.2), dbSNP rs778698678, ClinGen allele CA7798215.

ClinVar aggregate classification (germline): Likely benign (0 of 4 stars; one submission).

Conditions:
SOX8-related disorder. Also called: SOX8-related condition.

Submission:

PreventionGenetics, part of Exact Sciences
Classification: Likely benign for SOX8-related condition. Last evaluated: 2019-02-28. Review status: no assertion criteria provided. Collection method: clinical testing. Allele origin: germline.
Comment: This variant is classified as likely benign based on ACMG/AMP sequence variant interpretation guidelines (Richards et al. 2015 PMID: 25741868, with internal and published modifications).